The following is an entry in ClinVar:

ClinVar aggregate classification (germline): Uncertain significance (1 of 4 stars; one submission).

Conditions:
Dilated cardiomyopathy 1G (CMD1G). Identifiers: Orphanet 154, MedGen C1858763, MONDO:0011400, OMIM 604145.
Autosomal recessive limb-girdle muscular dystrophy type 2J (LGMDR10). Also called: Limb-girdle muscular dystrophy, type 2J; MUSCULAR DYSTROPHY, LIMB-GIRDLE, AUTOSOMAL RECESSIVE 10. Identifiers: Orphanet 140922, MedGen C1837342, MONDO:0012127, OMIM 608807.

Submission:

Labcorp Genetics (formerly Invitae), Labcorp
Classification: Uncertain significance for Dilated cardiomyopathy 1G; Autosomal recessive limb-girdle muscular dystrophy type 2J. Last evaluated: 2021-09-19. Review status: criteria provided, single submitter. Criteria: Invitae Variant Classification Sherloc (09022015). Collection method: clinical testing. Allele origin: germline.
Comment: This variant, c.107842_107844dup, results in the insertion of 1 amino acid(s) to the TTN protein (p.Glu35948dup), but otherwise preserves the integrity of the reading frame. This variant is not present in population databases (ExAC no frequency). This variant has not been reported in the literature in individuals affected with TTN-related conditions. Experimental studies and prediction algorithms are not available or were not evaluated, and the functional significance of this variant is currently unknown. In summary, the available evidence is currently insufficient to determine the role of this variant in disease. Therefore, it has been classified as a Variant of Uncertain Significance. This variant is located in the M band of TTN (PMID: 25589632). Variants in this region may be relevant for neuromuscular disorders, but have not been definitively shown to cause cardiomyopathy (PMID: 23975875).

Literature cited by the submitters: PubMed 25589632; PubMed 23975875.

NM_001267550.2(TTN):c.107842_107844dup (p.Glu35948dup)

Genes: TTN-AS1 (TTN antisense RNA 1; plus strand), TTN (titin; minus strand). Cytogenetic location: 2q31.2.
Variant type: Duplication.
Coding change: c.107842_107844dup on transcript NM_001267550.2 (MANE Select); coding-DNA positions 107842 to 107844, 3 bases duplicated (GAA; older notation c.107842_107844dupGAA).
Protein change: p.Glu35948dup; duplicates glutamic acid 35948.
Molecular consequence: inframe insertion.
Genome position (GRCh38, 1-based): chr2:178,527,144-178,527,146, TTC duplicated on the plus strand (GAA on the coding strand, the reverse complement: TTN is on the minus strand). VCF-style (leftmost placement, unchanged base first): chr2-178527143-T-TTTC. GRCh37 (hg19) VCF-style: chr2-179391870-T-TTTC.
Other names: c.102919_102921dup, p.Glu34307dup (NM_001256850.1); c.80647_80649dup, p.Glu26883dup (NM_003319.4); c.100138_100140dup, p.Glu33380dup (NM_133378.4); c.81022_81024dup, p.Glu27008dup (NM_133432.3); c.81223_81225dup, p.Glu27075dup (NM_133437.4).
Identifiers: ClinVar variation 1369859 (VCV001369859.6), dbSNP rs2154129846, ClinGen allele CA2573134049.
Genomic context (GRCh38, chr2:178,527,143, plus strand): 5'-AAAGTCCACCATCTTGTTTCTGTACGTCCATGATGATCAGGGTTGTCAGGTCATCTGTGT[T>TTTC]TTCAATGTGGAACCTCCCCTGTTCTTGACTGTGGATTTTTCTTCCACCACAGGACCATGT-3'